The following is an entry in ClinVar:

NM_015001.3(SPEN):c.1909C>T (p.Arg637Ter)

Gene: SPEN (spen family transcriptional repressor; plus strand). Cytogenetic location: 1p36.13.
Variant type: single nucleotide variant.
Coding change: c.1909C>T on transcript NM_015001.3 (MANE Select); coding-DNA position 1909, C replaced by T.
Protein change: p.Arg637Ter; replaces arginine 637 with a stop codon.
Molecular consequence: nonsense.
Genome position (GRCh38, 1-based): chr1:15,928,149, C>T. VCF-style: chr1-15928149-C-T. GRCh37 (hg19) VCF-style: chr1-16254644-C-T.
Other names: short protein forms R637*.
Identifiers: ClinVar variation 2630186 (VCV002630186.1), dbSNP rs2523072296, ClinGen allele CA338597381.

ClinVar aggregate classification (germline): Likely pathogenic (1 of 4 stars; one submission).

Conditions:
SPEN-related disorder. Also called: SPEN-related condition.

Submission:

PreventionGenetics, part of Exact Sciences
Classification: Likely pathogenic for SPEN-related condition. Last evaluated: 2023-03-09. Review status: criteria provided, single submitter. Criteria: ACMG Guidelines, 2015. Collection method: clinical testing. Allele origin: germline.
Comment: The SPEN c.1909C>T variant is predicted to result in premature protein termination (p.Arg637*). To our knowledge, this variant has not been reported in the literature or in a large population database, indicating this variant is rare. Nonsense variants in SPEN are expected to be pathogenic. This variant is interpreted as likely pathogenic.